The following is an entry in ClinVar:

NM_000038.6(APC):c.4135G>T (p.Glu1379Ter)

Gene: APC (APC regulator of Wnt signaling pathway; plus strand). Cytogenetic location: 5q22.2.
Variant type: single nucleotide variant.
Coding change: c.4135G>T on transcript NM_000038.6 (MANE Select); coding-DNA position 4135, G replaced by T.
Protein change: p.Glu1379Ter; replaces glutamic acid 1379 with a stop codon.
Molecular consequence: nonsense.
Genome position (GRCh38, 1-based): chr5:112,839,729, G>T. VCF-style: chr5-112839729-G-T. GRCh37 (hg19) VCF-style: chr5-112175426-G-T.
Other names: c.4135G>T, p.Glu1379Ter (NM_001127510.3, NM_001354895.2); c.4081G>T, p.Glu1361Ter (NM_001127511.3); c.4189G>T, p.Glu1397Ter (NM_001354896.2); c.4165G>T, p.Glu1389Ter (NM_001354897.2); c.4060G>T, p.Glu1354Ter (NM_001354898.2); c.4051G>T, p.Glu1351Ter (NM_001354899.2); c.4012G>T, p.Glu1338Ter (NM_001354900.2); c.3958G>T, p.Glu1320Ter (NM_001354901.2); and 5 more; short protein forms E1361*, E1379*, E1219*, E1253*, E1278*, E1389*, E1288*, E1320*.
Identifiers: ClinVar variation 376062 (VCV000376062.7), dbSNP rs121913326, ClinGen allele CA16030390.

ClinVar aggregate classification (germline): Pathogenic. Review status: criteria provided, multiple submitters, no conflicts (2 of 4 stars). 4 submissions from 4 submitters: Pathogenic (2). 2 of the submissions do not count toward it. Last evaluated 2026-04-28.

Conditions:
Familial adenomatous polyposis 1 (FAP1). Also called: POLYPOSIS, ADENOMATOUS INTESTINAL; FAMILIAL ADENOMATOUS POLYPOSIS 1, ATTENUATED. Identifiers: MedGen C2713442, MONDO:0021056, OMIM 175100. Disease mechanism: loss of function.
Colorectal cancer. Also called: Malignant Colorectal Neoplasm; Colorectal cancer, somatic. Identifiers: MedGen C0346629, MONDO:0005575, OMIM 114500.

Submissions (4):

Institute of Human Genetics, University of Leipzig Medical Center
Classification: Pathogenic for Colorectal cancer. Last evaluated: 2026-04-28. Review status: criteria provided, single submitter. Criteria: ACMG Guidelines, 2015. Collection method: clinical testing. Allele origin: unknown. Inheritance: Autosomal dominant inheritance. Affected: yes.
Comment: Criteria applied: OM3, OVS1

Myriad Genetics, Inc.
Classification: Pathogenic for Familial adenomatous polyposis 1. Last evaluated: 2023-05-10. Review status: criteria provided, single submitter. Criteria: Myriad Autosomal Dominant, Autosomal Recessive and X-Linked Classification Criteria (2023). Collection method: clinical testing. Allele origin: unknown.
Comment: This variant is considered pathogenic. This variant creates a termination codon and is predicted to result in premature protein truncation.

Clinical Genetics DNA and cytogenetics Diagnostics Lab, Erasmus MC, Erasmus Medical Center
Classification: Pathogenic. Review status: no assertion criteria provided. Collection method: clinical testing. Allele origin: germline. Affected: yes. Study: VKGL Data-share Consensus. Not counted in ClinVar's aggregate classification.

Joint Genome Diagnostic Labs from Nijmegen and Maastricht, Radboudumc and MUMC+
Classification: Pathogenic. Review status: no assertion criteria provided. Collection method: clinical testing. Allele origin: germline. Affected: yes. Study: VKGL Data-share Consensus. Not counted in ClinVar's aggregate classification.